The following is an entry in ClinVar:

NM_020207.7(ERCC6L2):c.1850C>A (p.Ala617Glu)

Gene: ERCC6L2 (ERCC excision repair 6 like 2; plus strand). Cytogenetic location: 9q22.32.
Variant type: single nucleotide variant.
Coding change: c.1850C>A on transcript NM_020207.7 (MANE Select); coding-DNA position 1850, C replaced by A.
Protein change: p.Ala617Glu; replaces alanine 617 with glutamic acid.
Molecular consequence: missense variant. On other transcripts: non-coding transcript variant (1).
Genome position (GRCh38, 1-based): chr9:95,955,916, C>A. VCF-style: chr9-95955916-C-A. GRCh37 (hg19) VCF-style: chr9-98718198-C-A.
Other names: c.1850C>A, p.Ala617Glu (NM_001010895.4, NM_001375291.1, NM_001375292.1 and 2 more transcripts); short protein forms A617E.
Identifiers: ClinVar variation 4827688 (VCV004827688.1).

ClinVar aggregate classification (germline): Uncertain significance (1 of 4 stars; one submission).

Conditions:
Inborn genetic diseases. Identifiers: MedGen C0950123, MeSH D030342.

Submission:

Ambry Genetics
Classification: Uncertain significance for Inborn genetic diseases. Last evaluated: 2026-03-08. Review status: criteria provided, single submitter. Criteria: Ambry Variant Classification Scheme 2023. Collection method: clinical testing. Allele origin: germline.
Comment: The p.A617E variant (also known as c.1850C>A), located in coding exon 13 of the ERCC6L2 gene, results from a C to A substitution at nucleotide position 1850. The alanine at codon 617 is replaced by glutamic acid, an amino acid with dissimilar properties. This amino acid position is conserved. In addition, this alteration is predicted to be deleterious by in silico analysis. Based on the available evidence, the clinical significance of this variant remains unclear.